The following is an entry in ClinVar:

ClinVar aggregate classification (germline): Uncertain significance. Review status: criteria provided, multiple submitters, no conflicts (2 of 4 stars). 2 submissions from 2 submitters: Uncertain significance (2). Last evaluated 2024-07-30.

Conditions:
Hyperaldosteronism, familial, type IV (HALD4). Also called: FH IV; ALDOSTERONISM, PRIMARY, AND HYPERTENSION. Identifiers: Orphanet 642671, MedGen C4310756, MONDO:0014875, OMIM 617027.
Epilepsy, childhood absence, susceptibility to, 6. Identifiers: Orphanet 64280, MedGen C2749872, MONDO:0012763, OMIM 611942.
Idiopathic generalized epilepsy. Also called: Generalised epilepsy; EIG. Identifiers: MedGen C0270850, MONDO:0005579, OMIM 600669.

Allele frequency attached by ClinVar (database versions not stated): gnomAD exomes below 0.00001.

Submissions (2):

Labcorp Genetics (formerly Invitae), Labcorp
Classification: Uncertain significance for Idiopathic generalized epilepsy; Hyperaldosteronism, familial, type IV. Last evaluated: 2024-07-30. Review status: criteria provided, single submitter. Criteria: Invitae Variant Classification Sherloc (09022015). Collection method: clinical testing. Allele origin: germline.
Comment: This sequence change replaces proline, which is neutral and non-polar, with leucine, which is neutral and non-polar, at codon 2310 of the CACNA1H protein (p.Pro2310Leu). This variant is not present in population databases (gnomAD no frequency). This variant has not been reported in the literature in individuals affected with CACNA1H-related conditions. ClinVar contains an entry for this variant (Variation ID: 1466676). Advanced modeling of protein sequence and biophysical properties (such as structural, functional, and spatial information, amino acid conservation, physicochemical variation, residue mobility, and thermodynamic stability) performed at Invitae indicates that this missense variant is not expected to disrupt CACNA1H protein function with a negative predictive value of 95%. In summary, the available evidence is currently insufficient to determine the role of this variant in disease. Therefore, it has been classified as a Variant of Uncertain Significance.

Fulgent Genetics
Classification: Uncertain significance for Epilepsy, childhood absence, susceptibility to, 6; Hyperaldosteronism, familial, type IV. Last evaluated: 2021-12-07. Review status: criteria provided, single submitter. Criteria: ACMG Guidelines, 2015. Collection method: clinical testing. Allele origin: unknown.

NM_021098.3(CACNA1H):c.6929C>T (p.Pro2310Leu)

Gene: CACNA1H (calcium voltage-gated channel subunit alpha1 H; plus strand). Cytogenetic location: 16p13.3.
Variant type: single nucleotide variant.
Coding change: c.6929C>T on transcript NM_021098.3 (MANE Select); coding-DNA position 6929, C replaced by T.
Protein change: p.Pro2310Leu; replaces proline 2310 with leucine.
Molecular consequence: missense variant.
Genome position (GRCh38, 1-based): chr16:1,220,861, C>T. VCF-style: chr16-1220861-C-T. GRCh37 (hg19) VCF-style: chr16-1270861-C-T.
Other names: c.6911C>T, p.Pro2304Leu (NM_001005407.2); short protein forms P2304L, P2310L.
Identifiers: ClinVar variation 1466676 (VCV001466676.9), dbSNP rs2141413399, ClinGen allele CA394151412.